The following is an entry in ClinVar:

NM_032242.4(PLXNA1):c.610C>T (p.Arg204Cys)

Gene: PLXNA1 (plexin A1; plus strand). Cytogenetic location: 3q21.3.
Variant type: single nucleotide variant.
Coding change: c.610C>T on transcript NM_032242.4 (MANE Select); coding-DNA position 610, C replaced by T.
Protein change: p.Arg204Cys; replaces arginine 204 with cysteine.
Molecular consequence: missense variant.
Genome position (GRCh38, 1-based): chr3:126,989,203, C>T. VCF-style: chr3-126989203-C-T. GRCh37 (hg19) VCF-style: chr3-126708046-C-T.
Other names: short protein forms R204C.
Identifiers: ClinVar variation 3354727 (VCV003354727.1).

ClinVar aggregate classification (germline): Uncertain significance (0 of 4 stars; one submission).

Conditions:
PLXNA1-related disorder. Also called: PLXNA1-related condition.

Submission:

PreventionGenetics, part of Exact Sciences
Classification: Uncertain significance for PLXNA1-related condition. Last evaluated: 2024-06-04. Review status: no assertion criteria provided. Collection method: clinical testing. Allele origin: germline.
Comment: The PLXNA1 c.610C>T variant is predicted to result in the amino acid substitution p.Arg204Cys. To our knowledge, this variant has not been reported in the literature. This variant is reported in 0.00088% of alleles in individuals of European (Non-Finnish) descent in gnomAD. At this time, the clinical significance of this variant is uncertain due to the absence of conclusive functional and genetic evidence.